The following is an entry in ClinVar:

ClinVar aggregate classification (germline): Uncertain significance (1 of 4 stars; one submission).

Submission:

CeGaT Center for Human Genetics Tuebingen
Classification: Uncertain significance. Last evaluated: 2022-06-01. Review status: criteria provided, single submitter. Criteria: CeGaT Center For Human Genetics Tuebingen Variant Classification Criteria Version 2. Collection method: clinical testing. Allele origin: germline. Affected: yes. Observed: 1 variant allele.
Comment: FLNB: PM2

NM_001457.4(FLNB):c.2560G>C (p.Gly854Arg)

Genes: FLNB (filamin B; plus strand), LOC129936935 (ATAC-STARR-seq lymphoblastoid active region 19999; plus strand). Cytogenetic location: 3p14.3.
Variant type: single nucleotide variant.
Coding change: c.2560G>C on transcript NM_001457.4 (MANE Select); coding-DNA position 2560, G replaced by C.
Protein change: p.Gly854Arg; replaces glycine 854 with arginine.
Molecular consequence: missense variant.
Genome position (GRCh38, 1-based): chr3:58,111,866, G>C. VCF-style: chr3-58111866-G-C. GRCh37 (hg19) VCF-style: chr3-58097593-G-C.
Other names: c.2560G>C, p.Gly854Arg (NM_001164317.2, NM_001164318.2, NM_001164319.2); short protein forms G854R.
Identifiers: ClinVar variation 1695076 (VCV001695076.31), dbSNP rs2107128948, ClinGen allele CA353345692.